The following is an entry in ClinVar:

ClinVar aggregate classification (germline): Likely benign. Review status: criteria provided, single submitter (1 of 4 stars). 2 submissions from 2 submitters: Likely benign (1). 1 of the submissions does not count toward it. Last evaluated 2024-11-21.

Conditions:
SPTBN4-related disorder. Also called: SPTBN4-related condition.

gnomAD v4.1: 182 of 1,278,864 alleles (0.014%); highest among the groups gnomAD compares: African/African-American, 0.041%; 3 homozygotes.

Submissions (2):

Blueprint Genetics
Classification: Likely benign. Last evaluated: 2024-11-21. Review status: criteria provided, single submitter. Criteria: ACMG Guidelines, 2015. Collection method: clinical testing. Allele origin: germline.

PreventionGenetics, part of Exact Sciences
Classification: Likely benign for SPTBN4-related condition. Last evaluated: 2019-03-01. Review status: no assertion criteria provided. Collection method: clinical testing. Allele origin: germline. Not counted in ClinVar's aggregate classification.
Comment: This variant is classified as likely benign based on ACMG/AMP sequence variant interpretation guidelines (Richards et al. 2015 PMID: 25741868, with internal and published modifications).

NM_020971.3(SPTBN4):c.1665+10G>C

Gene: SPTBN4 (spectrin beta, non-erythrocytic 4; plus strand). Cytogenetic location: 19q13.2.
Variant type: single nucleotide variant.
Coding change: c.1665+10G>C on transcript NM_020971.3 (MANE Select); 10 bases into the intron after coding-DNA position 1665, G replaced by C.
Molecular consequence: intron variant.
Genome position (GRCh38, 1-based): chr19:40,504,142, G>C. VCF-style: chr19-40504142-G-C. GRCh37 (hg19) VCF-style: chr19-41010049-G-C.
Identifiers: ClinVar variation 3046969 (VCV003046969.3), dbSNP rs759387793, ClinGen allele CA9445717.